The following is an entry in ClinVar:

NM_017763.6(RNF43):c.1786C>T (p.Gln596Ter)

Gene: RNF43 (ring finger protein 43; minus strand). Cytogenetic location: 17q22.
Variant type: single nucleotide variant.
Coding change: c.1786C>T on transcript NM_017763.6 (MANE Select); coding-DNA position 1786, C replaced by T.
Protein change: p.Gln596Ter; replaces glutamine 596 with a stop codon.
Molecular consequence: nonsense.
Genome position (GRCh38, 1-based): chr17:58,357,990, G>A on the plus strand (C>T on the coding strand, the complement: RNF43 is on the minus strand). VCF-style: chr17-58357990-G-A. GRCh37 (hg19) VCF-style: chr17-56435351-G-A.
Other names: c.1786C>T, p.Gln596Ter (NM_001305544.3, NM_001438820.1, NM_001438821.1 and 1 more transcripts); c.1405C>T, p.Gln469Ter (NM_001305545.2, NM_001437987.1); short protein forms Q596*, Q469*.
Identifiers: ClinVar variation 5028336 (VCV005028336.2).

ClinVar aggregate classification (germline): Conflicting classifications of pathogenicity. Review status: criteria provided, conflicting classifications (1 of 4 stars). 2 submissions from 2 submitters: Pathogenic (1); Uncertain significance (1). Last evaluated 2026-09-09.

Conditions:
Sessile serrated polyposis cancer syndrome (SSPCS). Identifiers: Orphanet 157798, MedGen C4310714, MONDO:0014919, OMIM 617108.

Submissions (2):

Myriad Genetics, Inc.
Classification: Pathogenic for Sessile serrated polyposis cancer syndrome. Last evaluated: 2026-09-09. Review status: criteria provided, single submitter. Criteria: Myriad Autosomal Dominant, Autosomal Recessive and X-Linked Classification Criteria (2023). Collection method: clinical testing. Allele origin: unknown.
Comment: This variant is considered pathogenic. This variant creates a termination codon and is predicted to result in premature protein truncation.

Ambry Genetics
Classification: Uncertain significance. Last evaluated: 2026-07-29. Review status: criteria provided, single submitter. Criteria: Ambry Variant Classification Scheme 2023. Collection method: clinical testing. Allele origin: germline.
Comment: The p.Q596* variant (also known as c.1786C>T), located in coding exon 8 of the RNF43 gene, results from a C to T substitution at nucleotide position 1786. This changes the amino acid from a glutamine to a stop codon within coding exon 8. This variant is expected to result in protein truncation or nonsense-mediated mRNA decay. However, loss of function has not been established as a mechanism of disease. Based on the available evidence, the clinical significance of this variant remains unclear.